The following is an entry in ClinVar:

NM_016373.4(WWOX):c.888C>G (p.Ser296=)

Gene: WWOX (WW domain containing oxidoreductase; plus strand). Cytogenetic location: 16q23.1.
Variant type: single nucleotide variant.
Coding change: c.888C>G on transcript NM_016373.4 (MANE Select); coding-DNA position 888, C replaced by G.
Protein change: p.Ser296=; no amino-acid change (serine 296 retained).
Molecular consequence: synonymous variant.
Genome position (GRCh38, 1-based): chr16:78,432,584, C>G. VCF-style: chr16-78432584-C-G. GRCh37 (hg19) VCF-style: chr16-78466481-C-G.
Other names: c.549C>G, p.Ser183= (NM_001291997.2).
Identifiers: ClinVar variation 384940 (VCV000384940.22), dbSNP rs3764341, ClinGen allele CA8183537.

ClinVar aggregate classification (germline): Benign/Likely benign. Review status: criteria provided, multiple submitters, no conflicts (2 of 4 stars). 7 submissions from 6 submitters: Benign (6); Likely benign (1). Last evaluated 2026-01-29.

Conditions:
Developmental and epileptic encephalopathy, 28 (DEE28). Also called: Epileptic encephalopathy, early infantile, 28. Identifiers: Orphanet 442835, MedGen C4015519, MONDO:0014533, OMIM 616211.
Autosomal recessive spinocerebellar ataxia 12. Also called: SPINOCEREBELLAR ATAXIA WITH MENTAL RETARDATION AND EPILEPSY. Identifiers: Orphanet 284282, MedGen C3280452, MONDO:0013687, OMIM 614322.
Developmental and epileptic encephalopathy, 1 (DEE1). Also called: Epileptic encephalopathy, early infantile, 1; X-linked infantile spasms; West's syndrome; Tonic spasms with clustering, arrest of psychomotor development and hypsarrhythmia on EEG; X-Linked Infantile Spasm Syndrome; OHTAHARA SYNDROME, X-LINKED. Identifiers: MedGen C3463992, MONDO:0010632, OMIM 308350. Disease mechanism: loss of function.

Allele frequency attached by ClinVar (database versions not stated): ESP Exome Variant Server 0.00016; gnomAD 0.00102; ExAC 0.00137; TOPMed 0.00163; 1000 Genomes Project 30x 0.00234; 1000 Genomes Project 0.00240.
gnomAD v4.1: 778 of 1,614,200 alleles (0.048%); highest among the groups gnomAD compares: East Asian, 1.5%; 9 homozygotes.

Submissions (7):

Labcorp Genetics (formerly Invitae), Labcorp
Classification: Benign for Developmental and epileptic encephalopathy, 1; Autosomal recessive spinocerebellar ataxia 12. Last evaluated: 2026-01-29. Review status: criteria provided, single submitter. Criteria: Invitae Variant Classification Sherloc (09022015). Collection method: clinical testing. Allele origin: germline.

CeGaT Center for Human Genetics Tuebingen
Classification: Likely benign. Last evaluated: 2025-08-01. Review status: criteria provided, single submitter. Criteria: CeGaT Center For Human Genetics Tuebingen Variant Classification Criteria Version 2. Collection method: clinical testing. Allele origin: germline. Affected: yes. Observed: 1 variant allele.
Comment: WWOX: BP4, BP7, BS1

Genome-Nilou Lab
Classification: Benign for Developmental and epileptic encephalopathy, 28. Last evaluated: 2021-12-05. Review status: criteria provided, single submitter. Criteria: ACMG Guidelines, 2015. Collection method: clinical testing. Allele origin: germline. Affected: no.

Genome-Nilou Lab
Classification: Benign for Autosomal recessive spinocerebellar ataxia 12. Last evaluated: 2021-12-05. Review status: criteria provided, single submitter. Criteria: ACMG Guidelines, 2015. Collection method: clinical testing. Allele origin: germline. Affected: no.

Athena Diagnostics
Classification: Benign. Last evaluated: 2017-09-19. Review status: criteria provided, single submitter. Criteria: Athena Diagnostics Criteria. Collection method: clinical testing. Allele origin: germline.

GeneDx
Classification: Benign. Last evaluated: 2016-11-28. Review status: criteria provided, single submitter. Criteria: GeneDx Variant Classification (06012015). Collection method: clinical testing. Allele origin: germline. Affected: yes.
Comment: This variant is considered likely benign or benign based on one or more of the following criteria: it is a conservative change, it occurs at a poorly conserved position in the protein, it is predicted to be benign by multiple in silico algorithms, and/or has population frequency not consistent with disease.

Breakthrough Genomics
Classification: Benign. Review status: criteria provided, single submitter. Criteria: ACMG Guidelines, 2015. Collection method: not provided. Allele origin: germline. Inheritance: Autosomal recessive inheritance. Affected: yes.